The following is an entry in ClinVar:

ClinVar aggregate classification (germline): Uncertain significance. Review status: criteria provided, multiple submitters, no conflicts (2 of 4 stars). 2 submissions from 2 submitters: Uncertain significance (2). Last evaluated 2020-07-15.

Submissions (2):

Labcorp Genetics (formerly Invitae), Labcorp
Classification: Uncertain significance. Last evaluated: 2020-07-15. Review status: criteria provided, single submitter. Criteria: Invitae Variant Classification Sherloc (09022015). Collection method: clinical testing. Allele origin: germline.
Comment: In summary, the available evidence is currently insufficient to determine the role of this variant in disease. Therefore, it has been classified as a Variant of Uncertain Significance. Algorithms developed to predict the effect of missense changes on protein structure and function are either unavailable or do not agree on the potential impact of this missense change (SIFT: "Tolerated"; PolyPhen-2: "Possibly Damaging"; Align-GVGD: "Class C0"). This variant has not been reported in the literature in individuals with POLE-related conditions. ClinVar contains an entry for this variant (Variation ID: 619718). This variant is not present in population databases (ExAC no frequency). This sequence change replaces glutamic acid with lysine at codon 1048 of the POLE protein (p.Glu1048Lys). The glutamic acid residue is moderately conserved and there is a small physicochemical difference between glutamic acid and lysine.

Quest Diagnostics Nichols Institute San Juan Capistrano
Classification: Uncertain significance. Last evaluated: 2017-12-20. Review status: criteria provided, single submitter. Criteria: Quest Diagnostics criteria. Collection method: clinical testing. Allele origin: germline.

NM_006231.4(POLE):c.3142G>A (p.Glu1048Lys)

Gene: POLE (DNA polymerase epsilon, catalytic subunit; minus strand). Cytogenetic location: 12q24.33.
Variant type: single nucleotide variant.
Coding change: c.3142G>A on transcript NM_006231.4 (MANE Select); coding-DNA position 3142, G replaced by A.
Protein change: p.Glu1048Lys; replaces glutamic acid 1048 with lysine.
Molecular consequence: missense variant.
Genome position (GRCh38, 1-based): chr12:132,659,428, C>T on the plus strand (G>A on the coding strand, the complement: POLE is on the minus strand). VCF-style: chr12-132659428-C-T. GRCh37 (hg19) VCF-style: chr12-133236014-C-T.
Other names: short protein forms E1048K.
Identifiers: ClinVar variation 619718 (VCV000619718.10), dbSNP rs1164020030, ClinGen allele CA387390998.